The following is an entry in ClinVar:

NM_001605.3(AARS1):c.427G>A (p.Ala143Thr)

Gene: AARS1 (alanyl-tRNA synthetase 1; minus strand). Cytogenetic location: 16q22.1.
Variant type: single nucleotide variant.
Coding change: c.427G>A on transcript NM_001605.3 (MANE Select); coding-DNA position 427, G replaced by A.
Protein change: p.Ala143Thr; replaces alanine 143 with threonine.
Molecular consequence: missense variant.
Genome position (GRCh38, 1-based): chr16:70,276,538, C>T on the plus strand (G>A on the coding strand, the complement: AARS1 is on the minus strand). VCF-style: chr16-70276538-C-T. GRCh37 (hg19) VCF-style: chr16-70310441-C-T.
Other names: short protein forms A143T.
Identifiers: ClinVar variation 1682310 (VCV001682310.6), dbSNP rs2152166712, ClinGen allele CA396568736.

ClinVar aggregate classification (germline): Uncertain significance (1 of 4 stars; one submission).

Conditions:
Charcot-Marie-Tooth disease type 2. Also called: Charcot-Marie-Tooth type 2. Identifiers: Orphanet 64746, MedGen C0270914, MONDO:0018993.

Submission:

Labcorp Genetics (formerly Invitae), Labcorp
Classification: Uncertain significance for Charcot-Marie-Tooth disease type 2. Last evaluated: 2021-09-25. Review status: criteria provided, single submitter. Criteria: Invitae Variant Classification Sherloc (09022015). Collection method: clinical testing. Allele origin: germline.
Comment: This variant is not present in population databases (ExAC no frequency). In summary, the available evidence is currently insufficient to determine the role of this variant in disease. Therefore, it has been classified as a Variant of Uncertain Significance. Algorithms developed to predict the effect of missense changes on protein structure and function are either unavailable or do not agree on the potential impact of this missense change (SIFT: "Tolerated"; PolyPhen-2: "Possibly Damaging"; Align-GVGD: "Class C0"). This variant has not been reported in the literature in individuals affected with AARS-related conditions. This sequence change replaces alanine with threonine at codon 143 of the AARS protein (p.Ala143Thr). The alanine residue is moderately conserved and there is a small physicochemical difference between alanine and threonine.